The following is an entry in ClinVar:

ClinVar aggregate classification (germline): Uncertain significance (1 of 4 stars; one submission).

Conditions:
Primary open angle glaucoma (POAG). Also called: OPTN-related open angle glaucoma. Identifiers: MedGen C0339573, MONDO:0100553, OMIM 137760.
Amyotrophic lateral sclerosis type 12 (ALS12). Also called: AMYOTROPHIC LATERAL SCLEROSIS 12 WITH OR WITHOUT FRONTOTEMPORAL DEMENTIA. Identifiers: Orphanet 803, MedGen C3150692, MONDO:0013264, OMIM 613435.
Glaucoma 1, open angle, E. Identifiers: MedGen C1842026, MONDO:0007665.

Allele frequency attached by ClinVar (database versions not stated): gnomAD 0.00001; gnomAD exomes 0.00004; ExAC 0.00009.
gnomAD v4.1: 62 of 1,613,994 alleles (0.0038%); highest among the groups gnomAD compares: South Asian, 0.067%; no homozygotes.

Submission:

Labcorp Genetics (formerly Invitae), Labcorp
Classification: Uncertain significance for Primary open angle glaucoma; Glaucoma 1, open angle, E; Amyotrophic lateral sclerosis type 12. Last evaluated: 2025-11-01. Review status: criteria provided, single submitter. Criteria: Invitae Variant Classification Sherloc (09022015). Collection method: clinical testing. Allele origin: germline.
Comment: This sequence change replaces serine, which is neutral and polar, with asparagine, which is neutral and polar, at codon 519 of the OPTN protein (p.Ser519Asn). This variant is present in population databases (rs745350388, gnomAD 0.06%). This variant has not been reported in the literature in individuals affected with OPTN-related conditions. ClinVar contains an entry for this variant (Variation ID: 2071378). Invitae Evidence Modeling of protein sequence and biophysical properties (such as structural, functional, and spatial information, amino acid conservation, physicochemical variation, residue mobility, and thermodynamic stability) indicates that this missense variant is not expected to disrupt OPTN protein function with a negative predictive value of 80%. In summary, the available evidence is currently insufficient to determine the role of this variant in disease. Therefore, it has been classified as a Variant of Uncertain Significance.

NM_001008212.2(OPTN):c.1556G>A (p.Ser519Asn)

Gene: OPTN (optineurin; plus strand). Cytogenetic location: 10p13.
Variant type: single nucleotide variant.
Coding change: c.1556G>A on transcript NM_001008212.2 (MANE Select); coding-DNA position 1556, G replaced by A.
Protein change: p.Ser519Asn; replaces serine 519 with asparagine.
Molecular consequence: missense variant.
Genome position (GRCh38, 1-based): chr10:13,133,525, G>A. VCF-style: chr10-13133525-G-A. GRCh37 (hg19) VCF-style: chr10-13175525-G-A.
Other names: c.1556G>A, p.Ser519Asn (NM_001008211.1, NM_001008213.1, NM_021980.4); short protein forms S519N.
Identifiers: ClinVar variation 2071378 (VCV002071378.4), dbSNP rs745350388, ClinGen allele CA5411014.